The following is an entry in ClinVar:

NM_018406.7(MUC4):c.10716C>A (p.Thr3572=)

Gene: MUC4 (mucin 4, cell surface associated). Cytogenetic location: 3q29.
Variant type: single nucleotide variant.
Coding change: c.10716C>A on transcript NM_018406.7 (MANE Select); coding-DNA position 10716, C replaced by A.
Protein change: p.Thr3572=; no amino-acid change (threonine 3572 retained).
Molecular consequence: synonymous variant. On other transcripts: intron variant (2).
Genome position (GRCh38, 1-based): chr3:195,780,864, G>T on the plus strand (C>A on the coding strand, the complement: MUC4 is on the minus strand). VCF-style: chr3-195780864-G-T. GRCh37 (hg19) VCF-style: chr3-195507735-G-T.
Other names: c.83-6559C>A (NM_138297.5); c.83-2409C>A (NM_004532.6).
Identifiers: ClinVar variation 4821218 (VCV004821218.4).

ClinVar aggregate classification (germline): Likely benign (1 of 4 stars; one submission).

Submission:

CeGaT Center for Human Genetics Tuebingen
Classification: Likely benign. Last evaluated: 2026-01-01. Review status: criteria provided, single submitter. Criteria: CeGaT Center For Human Genetics Tuebingen Variant Classification Criteria Version 2. Collection method: clinical testing. Allele origin: germline. Affected: yes. Observed: 1 variant allele.
Comment: MUC4: BP4, BP7